The following is an entry in ClinVar:

ClinVar aggregate classification (germline): Uncertain significance (1 of 4 stars; one submission).

Conditions:
Dilated cardiomyopathy 1G (CMD1G). Identifiers: Orphanet 154, MedGen C1858763, MONDO:0011400, OMIM 604145.
Autosomal recessive limb-girdle muscular dystrophy type 2J (LGMDR10). Also called: Limb-girdle muscular dystrophy, type 2J; MUSCULAR DYSTROPHY, LIMB-GIRDLE, AUTOSOMAL RECESSIVE 10. Identifiers: Orphanet 140922, MedGen C1837342, MONDO:0012127, OMIM 608807.

gnomAD v4.1: 3 of 1,612,684 alleles (0.00019%); highest among the groups gnomAD compares: Non-Finnish European, 0.00017%; no homozygotes.

Submission:

Labcorp Genetics (formerly Invitae), Labcorp
Classification: Uncertain significance for Dilated cardiomyopathy 1G; Autosomal recessive limb-girdle muscular dystrophy type 2J. Last evaluated: 2025-12-08. Review status: criteria provided, single submitter. Criteria: Invitae Variant Classification Sherloc (09022015). Collection method: clinical testing. Allele origin: germline.
Comment: This sequence change replaces arginine, which is basic and polar, with threonine, which is neutral and polar, at codon 34901 of the TTN protein (p.Arg34901Thr). This variant is not present in population databases (gnomAD no frequency). This variant has not been reported in the literature in individuals affected with TTN-related conditions. Experimental studies and prediction algorithms are not available or were not evaluated, and the functional significance of this variant is currently unknown. This variant is located in the M band of TTN (PMID: 25589632). Non-truncating variants in this region may be relevant for neuromuscular disorders, but have not been definitively shown to cause cardiomyopathy (PMID: 23975875). In summary, the available evidence is currently insufficient to determine the role of this variant in disease. Therefore, it has been classified as a Variant of Uncertain Significance.

Literature cited by the submitters: PubMed 25589632; PubMed 23975875.

NM_001267550.2(TTN):c.104702G>C (p.Arg34901Thr)

Genes: TTN-AS1 (TTN antisense RNA 1; plus strand), TTN (titin; minus strand). Cytogenetic location: 2q31.2.
Variant type: single nucleotide variant.
Coding change: c.104702G>C on transcript NM_001267550.2 (MANE Select); coding-DNA position 104702, G replaced by C.
Protein change: p.Arg34901Thr; replaces arginine 34901 with threonine.
Molecular consequence: missense variant.
Genome position (GRCh38, 1-based): chr2:178,531,913, C>G on the plus strand (G>C on the coding strand, the complement: TTN is on the minus strand). VCF-style: chr2-178531913-C-G. GRCh37 (hg19) VCF-style: chr2-179396640-C-G.
Other names: c.99779G>C, p.Arg33260Thr (NM_001256850.1); c.77507G>C, p.Arg25836Thr (NM_003319.4); c.96998G>C, p.Arg32333Thr (NM_133378.4); c.77882G>C, p.Arg25961Thr (NM_133432.3); c.78083G>C, p.Arg26028Thr (NM_133437.4); short protein forms R25836T, R25961T, R33260T, R26028T, R32333T, R34901T.
Identifiers: ClinVar variation 4783038 (VCV004783038.1).